The following is an entry in ClinVar:

NM_001385012.1(NBEA):c.8891A>G (p.Gln2964Arg)

Gene: NBEA (neurobeachin; plus strand). Cytogenetic location: 13q13.3.
Variant type: single nucleotide variant.
Coding change: c.8891A>G on transcript NM_001385012.1 (MANE Select); coding-DNA position 8891, A replaced by G.
Protein change: p.Gln2964Arg; replaces glutamine 2964 with arginine.
Molecular consequence: missense variant.
Genome position (GRCh38, 1-based): chr13:35,670,978, A>G. VCF-style: chr13-35670978-A-G. GRCh37 (hg19) VCF-style: chr13-36245115-A-G.
Other names: c.8882A>G, p.Gln2961Arg (NM_001379245.1); c.8828A>G, p.Gln2943Arg (NM_015678.5); c.2207A>G, p.Gln736Arg (NM_001204197.3); short protein forms Q2943R, Q2961R, Q2964R, Q736R.
Identifiers: ClinVar variation 5017076 (VCV005017076.1).

ClinVar aggregate classification (germline): Uncertain significance (1 of 4 stars; one submission).

gnomAD v4.1: 1 of 1,577,208 alleles (0.000063%); highest among the groups gnomAD compares: Non-Finnish European, 0.000086%; no homozygotes.

Submission:

GeneDx
Classification: Uncertain significance. Last evaluated: 2026-03-24. Review status: criteria provided, single submitter. Criteria: GeneDx Variant Classification Process June 2021. Collection method: clinical testing. Allele origin: germline.
Comment: Not observed at significant frequency in large population cohorts (gnomAD); In silico analysis supports that this missense variant has a deleterious effect on protein structure/function; Has not been previously published as pathogenic or benign to our knowledge